The following is an entry in ClinVar:

ClinVar aggregate classification (germline): Likely benign. Review status: criteria provided, multiple submitters, no conflicts (2 of 4 stars). 8 submissions from 8 submitters: Likely benign (4). 4 of the submissions do not count toward it. Last evaluated 2026-01-06.

Conditions:
FLNA-related disorder.
Heterotopia, periventricular, X-linked dominant (PVNH1). Also called: PERIVENTRICULAR NODULAR HETEROTOPIA 4; HETEROTOPIA, PERIVENTRICULAR, 1; PERIVENTRICULAR NODULAR HETEROTOPIA 1; X-linked periventricular heterotopia. Identifiers: Orphanet 2149, Orphanet 82004, MedGen C1848213, MONDO:0010233, OMIM 300049.
Frontometaphyseal dysplasia (FMD1). Identifiers: Orphanet 1826, MedGen C0265293, MONDO:0015942.
Oto-palato-digital syndrome, type II (OPD2). Also called: Otopalatodigital Syndrome, Type II; Otopalatodigital Syndrome Type 2 (FLNA-OPD2); OPD II SYNDROME; FACIOPALATOOSSEOUS SYNDROME. Identifiers: Orphanet 669, Orphanet 90652, MedGen C1844696, MONDO:0010571, OMIM 304120.
Melnick-Needles syndrome (MNS). Also called: Melnick-Needles Syndrome (FLNA-MNS); MELNICK-NEEDLES OSTEODYSPLASTY; OSTEODYSPLASTY OF MELNICK AND NEEDLES. Identifiers: Orphanet 2484, MedGen C0025237, MONDO:0010650, OMIM 309350.

Allele frequency attached by ClinVar (database versions not stated): gnomAD exomes 0.00006 and 0.00008; ExAC 0.00008; TOPMed 0.00019; gnomAD 0.00020 and 0.00022; ESP Exome Variant Server 0.00049.
gnomAD v4.1: 115 of 1,209,250 alleles (0.0095%); highest among the groups gnomAD compares: African/African-American, 0.037%; no homozygotes.

Submissions (8):

Labcorp Genetics (formerly Invitae), Labcorp
Classification: Likely benign for Oto-palato-digital syndrome, type II; Heterotopia, periventricular, X-linked dominant; Frontometaphyseal dysplasia; Melnick-Needles syndrome. Last evaluated: 2026-01-06. Review status: criteria provided, single submitter. Criteria: Invitae Variant Classification Sherloc (09022015). Collection method: clinical testing. Allele origin: germline.

Dasa
Classification: Likely benign. Last evaluated: 2024-08-27. Review status: criteria provided, single submitter. Criteria: DASA Assertion Criteria. Collection method: clinical testing. Allele origin: germline.
Comment: NM_001110556.2(FLNA):c.1229-8C>T is a splice-region variant predicted to affect normal RNA splicing. The variant is present at low frequency in population datasets. Based on the available data, this variant is classified as likely benign.

Blueprint Genetics
Classification: Likely benign. Last evaluated: 2024-04-17. Review status: criteria provided, single submitter. Criteria: ACMG Guidelines, 2015. Collection method: clinical testing. Allele origin: germline.

GeneDx
Classification: Likely benign. Last evaluated: 2021-03-24. Review status: criteria provided, single submitter. Criteria: GeneDx Variant Classification Process June 2021. Collection method: clinical testing. Allele origin: germline. Affected: yes.

PreventionGenetics, part of Exact Sciences
Classification: Likely benign for FLNA-related condition. Last evaluated: 2021-12-02. Review status: no assertion criteria provided. Collection method: clinical testing. Allele origin: germline. Not counted in ClinVar's aggregate classification.
Comment: This variant is classified as likely benign based on ACMG/AMP sequence variant interpretation guidelines (Richards et al. 2015 PMID: 25741868, with internal and published modifications).

Clinical Genetics DNA and cytogenetics Diagnostics Lab, Erasmus MC, Erasmus Medical Center
Classification: Benign. Review status: no assertion criteria provided. Collection method: clinical testing. Allele origin: germline. Affected: yes. Study: VKGL Data-share Consensus. Not counted in ClinVar's aggregate classification.

Genome Diagnostics Laboratory, University Medical Center Utrecht
Classification: Benign. Review status: no assertion criteria provided. Collection method: clinical testing. Allele origin: germline. Affected: yes. Study: VKGL Data-share Consensus. Not counted in ClinVar's aggregate classification.

Laboratory of Diagnostic Genome Analysis, Leiden University Medical Center (LUMC)
Classification: Likely benign. Review status: no assertion criteria provided. Collection method: clinical testing. Allele origin: germline. Affected: yes. Study: VKGL Data-share Consensus. Not counted in ClinVar's aggregate classification.

NM_001110556.2(FLNA):c.1229-8C>T

Gene: FLNA (filamin A; minus strand). Cytogenetic location: Xq28.
Variant type: single nucleotide variant.
Coding change: c.1229-8C>T on transcript NM_001110556.2 (MANE Select); 8 bases into the intron before coding-DNA position 1229, C replaced by T.
Molecular consequence: intron variant.
Genome position (GRCh38, 1-based): chrX:154,366,232, G>A on the plus strand (C>T on the coding strand, the complement: FLNA is on the minus strand). VCF-style: chrX-154366232-G-A. GRCh37 (hg19) VCF-style: chrX-153594600-G-A.
Other names: c.1229-8C>T (NM_001110556.1, NM_001456.4).
Identifiers: ClinVar variation 385096 (VCV000385096.20), dbSNP rs376190976, ClinGen allele CA10561223.